The following is an entry in ClinVar:

ClinVar aggregate classification (germline): Uncertain significance (1 of 4 stars; one submission).

gnomAD v4.1: 42 of 1,613,850 alleles (0.0026%); highest among the groups gnomAD compares: Non-Finnish European, 0.0034%; no homozygotes.

Submission:

GeneDx
Classification: Uncertain significance. Last evaluated: 2026-02-12. Review status: criteria provided, single submitter. Criteria: GeneDx Variant Classification Process June 2021. Collection method: clinical testing. Allele origin: germline.
Comment: Not observed at significant frequency in large population cohorts (gnomAD); In silico analysis supports that this missense variant has a deleterious effect on protein structure/function; Has not been previously published as pathogenic or benign to our knowledge

NM_000096.4(CP):c.824T>C (p.Met275Thr)

Gene: CP (ceruloplasmin; minus strand). Cytogenetic location: 3q25.1.
Variant type: single nucleotide variant.
Coding change: c.824T>C on transcript NM_000096.4 (MANE Select); coding-DNA position 824, T replaced by C.
Protein change: p.Met275Thr; replaces methionine 275 with threonine.
Molecular consequence: missense variant. On other transcripts: non-coding transcript variant (1).
Genome position (GRCh38, 1-based): chr3:149,207,575, A>G on the plus strand (T>C on the coding strand, the complement: CP is on the minus strand). VCF-style: chr3-149207575-A-G. GRCh37 (hg19) VCF-style: chr3-148925362-A-G.
Other names: short protein forms M275T.
Identifiers: ClinVar variation 4976233 (VCV004976233.1).
Genomic context (GRCh38, chr3:149,207,575, plus strand): 5'-TGCACATCAACTTCATTACCCATACCAAAAAGGTACCATTTTACTCTGTCTTCAGCACAC[A>G]TGGAGAGTCCTGGGAGACTTCCAAAAGTGTATCCATTCACAGCTGTAAGTCAAGAGCAGA-3'
Protein context (NP_000087.2, residues 265-285): YTFGSLPGLS[Met275Thr]CAEDRVKWYL